The following is an entry in ClinVar:

NM_004006.3(DMD):c.2448C>T (p.Cys816=)

Gene: DMD (dystrophin; minus strand). Cytogenetic location: Xp21.1.
Variant type: single nucleotide variant.
Coding change: c.2448C>T on transcript NM_004006.3 (MANE Select); coding-DNA position 2448, C replaced by T.
Protein change: p.Cys816=; no amino-acid change (cysteine 816 retained).
Molecular consequence: synonymous variant.
Genome position (GRCh38, 1-based): chrX:32,491,451, G>A on the plus strand (C>T on the coding strand, the complement: DMD is on the minus strand). VCF-style: chrX-32491451-G-A. GRCh37 (hg19) VCF-style: chrX-32509568-G-A.
Other names: c.2424C>T, p.Cys808= (NM_000109.4); c.2436C>T, p.Cys812= (NM_004009.3); c.2079C>T, p.Cys693= (NM_004010.3).
Identifiers: ClinVar variation 4875073 (VCV004875073.2).
Genomic context (GRCh38, chrX:32,491,451, plus strand): 5'-ATAGAAAGCGATGATGTTGTTCTGATACTCCAGCCAGTTAAGTCTCTCACTTAGCAACTG[G>A]CAGAATTCGATCCACCGGCTGTTCAGTTGTTCTGAGGCTTGTTTGATGCTATCTGCATTA-3'
Protein context (NP_003997.2, residues 806-826): EQLNSRWIEF[Cys816=]QLLSERLNWL

ClinVar aggregate classification (germline): Likely benign (1 of 4 stars; one submission).

Submission:

CeGaT Center for Human Genetics Tuebingen
Classification: Likely benign. Last evaluated: 2026-06-01. Review status: criteria provided, single submitter. Criteria: CeGaT Center For Human Genetics Tuebingen Variant Classification Criteria Version 2. Collection method: clinical testing. Allele origin: germline. Affected: yes. Observed: 1 variant allele.
Comment: DMD: PM2:Supporting, BP4, BP7